The following is an entry in ClinVar:

ClinVar aggregate classification (germline): Uncertain significance (1 of 4 stars; one submission).

Conditions:
Lipoic acid synthetase deficiency. Also called: HYPERGLYCINEMIA, LACTIC ACIDOSIS, AND SEIZURES. Identifiers: Orphanet 401859, MedGen C3280887, MONDO:0013762, OMIM 614462.

Allele frequency attached by ClinVar (database versions not stated): gnomAD exomes below 0.00001.
gnomAD v4.1: 4 of 1,598,470 alleles (0.00025%); highest among the groups gnomAD compares: Non-Finnish European, 0.00034%; no homozygotes.

Submission:

Labcorp Genetics (formerly Invitae), Labcorp
Classification: Uncertain significance for Lipoic acid synthetase deficiency. Last evaluated: 2022-05-12. Review status: criteria provided, single submitter. Criteria: Invitae Variant Classification Sherloc (09022015). Collection method: clinical testing. Allele origin: germline.
Comment: In summary, the available evidence is currently insufficient to determine the role of this variant in disease. Therefore, it has been classified as a Variant of Uncertain Significance. Algorithms developed to predict the effect of missense changes on protein structure and function (SIFT, PolyPhen-2, Align-GVGD) all suggest that this variant is likely to be tolerated. This variant has not been reported in the literature in individuals affected with LIAS-related conditions. This variant is not present in population databases (gnomAD no frequency). This sequence change replaces lysine, which is basic and polar, with glutamine, which is neutral and polar, at codon 366 of the LIAS protein (p.Lys366Gln).

NM_006859.4(LIAS):c.1096A>C (p.Lys366Gln)

Gene: LIAS (lipoic acid synthetase; plus strand). Cytogenetic location: 4p14.
Variant type: single nucleotide variant.
Coding change: c.1096A>C on transcript NM_006859.4 (MANE Select); coding-DNA position 1096, A replaced by C.
Protein change: p.Lys366Gln; replaces lysine 366 with glutamine.
Molecular consequence: missense variant. On other transcripts: 3 prime UTR variant (1).
Genome position (GRCh38, 1-based): chr4:39,477,092, A>C. VCF-style: chr4-39477092-A-C. GRCh37 (hg19) VCF-style: chr4-39478712-A-C.
Other names: c.967A>C, p.Lys323Gln (NM_001278590.2); c.787A>C, p.Lys263Gln (NM_001363700.2); c.*15A>C (NM_194451.3); short protein forms K263Q, K323Q, K366Q.
Identifiers: ClinVar variation 1993775 (VCV001993775.4), dbSNP rs1745219004, ClinGen allele CA356665963.
Genomic context (GRCh38, chr4:39,477,092, plus strand): 5'-ATATTAATGTGTTTTCCTTTTTCCTAAATAGGTGAATTTTTCCTGAAAAATCTAGTGGCT[A>C]AAAGAAAAACAAAAGACCTCTAAAACTTCAACAAGACCTTCAAGATCACAGAAATTTTTA-3'
Protein context (NP_006850.2, residues 356-372): GEFFLKNLVA[Lys366Gln]RKTKDL